The following is an entry in ClinVar:

GRCh37/hg19 9p21.1(chr9:31013099-31463899)x1

Variant type: copy number loss.
Change: copy number 1 (one copy instead of two) of chr9:31,013,099-31,463,899 (450.8 kb, GRCh37 coordinates, 1-based), cytogenetic band 9p21.1.
Identifiers: ClinVar variation 4850973 (VCV004850973.1).

ClinVar aggregate classification (germline): Likely benign (1 of 4 stars; one submission).

Conditions:
Chromosome 9p deletion syndrome. Also called: MONOSOMY 9p SYNDROME; Monosomy 9p; Deletion 9p. Identifiers: Orphanet 261112, MedGen C0795830, MONDO:0008013, OMIM 158170.

Submission:

Laboratory of Cytogenetics, Molecular Genetics and Reproductive Biology, Farhat Hached University Hospital
Classification: Likely benign for Chromosome 9p deletion syndrome. Last evaluated: 2025-12-12. Review status: criteria provided, single submitter. Criteria: ACMG/ClinGen CNV Guidelines, 2019. Collection method: clinical testing. Allele origin: unknown. Affected: yes.
Comment: Current evidence is insufficient to determine its clinical significance. The copy number variant was evaluated using ACMG/ClinGen CNV guidelines (PMID:31690835)